The following is an entry in ClinVar:

NM_000064.4(C3):c.56T>C (p.Leu19Pro)

Gene: C3 (complement C3; minus strand). Cytogenetic location: 19p13.3.
Variant type: single nucleotide variant.
Coding change: c.56T>C on transcript NM_000064.4 (MANE Select); coding-DNA position 56, T replaced by C.
Protein change: p.Leu19Pro; replaces leucine 19 with proline.
Molecular consequence: missense variant.
Genome position (GRCh38, 1-based): chr19:6,720,534, A>G on the plus strand (T>C on the coding strand, the complement: C3 is on the minus strand). VCF-style: chr19-6720534-A-G. GRCh37 (hg19) VCF-style: chr19-6720545-A-G.
Other names: short protein forms L19P.
Identifiers: ClinVar variation 3684181 (VCV003684181.2).
Genomic context (GRCh38, chr19:6,720,534, plus strand): 5'-CCAGAACCAGCCCTGTTTGTGGGTAGAGTCATAACCACTCACATGGGACTCCCCAGAGCC[A>G]GGGGGAGGTGGGTTAGTAGCAGGAGCAGCAGGCTGGGACCTGAGGTGGGTCCCATGGTGC-3'
Protein context (NP_000055.2, residues 9-29): LLLLLLTHLP[Leu19Pro]ALGSPMYSII

ClinVar aggregate classification (germline): Uncertain significance (1 of 4 stars; one submission).

gnomAD v4.1: 2 of 1,593,358 alleles (0.00013%); highest among the groups gnomAD compares: Non-Finnish European, 0.00017%; no homozygotes.

Submission:

Labcorp Genetics (formerly Invitae), Labcorp
Classification: Uncertain significance. Last evaluated: 2024-07-23. Review status: criteria provided, single submitter. Criteria: Invitae Variant Classification Sherloc (09022015). Collection method: clinical testing. Allele origin: germline.
Comment: This sequence change replaces leucine, which is neutral and non-polar, with proline, which is neutral and non-polar, at codon 19 of the C3 protein (p.Leu19Pro). The frequency data for this variant in the population databases is considered unreliable, as metrics indicate poor data quality at this position in the gnomAD database. This variant has not been reported in the literature in individuals affected with C3-related conditions. An algorithm developed to predict the effect of missense changes on protein structure and function outputs the following: PolyPhen-2: "Not Available". The proline amino acid residue is found in multiple mammalian species, which suggests that this missense change does not adversely affect protein function. In summary, the available evidence is currently insufficient to determine the role of this variant in disease. Therefore, it has been classified as a Variant of Uncertain Significance.